The following is an entry in ClinVar:

NM_004260.4(RECQL4):c.3062G>A (p.Arg1021Gln)

Gene: RECQL4 (RecQ like helicase 4; minus strand). Cytogenetic location: 8q24.3.
Variant type: single nucleotide variant.
Coding change: c.3062G>A on transcript NM_004260.4 (MANE Select); coding-DNA position 3062, G replaced by A.
Protein change: p.Arg1021Gln; replaces arginine 1021 with glutamine.
Molecular consequence: missense variant.
Genome position (GRCh38, 1-based): chr8:144,512,318, C>T on the plus strand (G>A on the coding strand, the complement: RECQL4 is on the minus strand). VCF-style: chr8-144512318-C-T. GRCh37 (hg19) VCF-style: chr8-145737701-C-T.
Other names: short protein forms R1021Q.
Identifiers: ClinVar variation 135147 (VCV000135147.70), dbSNP rs34666647, ClinGen allele CA161851.

ClinVar aggregate classification (germline): Conflicting classifications of pathogenicity. Review status: criteria provided, conflicting classifications (1 of 4 stars). 15 submissions from 15 submitters: Uncertain significance (3); Benign (2); Likely benign (5). 5 of the submissions do not count toward it. Last evaluated 2026-09-01.

Conditions:
Rothmund-Thomson syndrome type 2 (RTS2). Identifiers: Orphanet 221016, MedGen C5203410, MONDO:0016369, OMIM 268400.
Inborn genetic diseases. Identifiers: MedGen C0950123, MeSH D030342.
Hereditary cancer-predisposing syndrome. Also called: Neoplastic Syndromes, Hereditary; Tumor predisposition; Hereditary neoplastic syndrome; Hereditary Cancer Syndrome. Identifiers: Orphanet 140162, MedGen C0027672, MeSH D009386, MONDO:0015356.
Baller-Gerold syndrome (BGS). Also called: CRANIOSYNOSTOSIS WITH RADIAL DEFECTS. Identifiers: Orphanet 1225, MedGen C0265308, MONDO:0009039, OMIM 218600.

Allele frequency attached by ClinVar (database versions not stated): 1000 Genomes Project 0.00120; 1000 Genomes Project 30x 0.00125; TOPMed 0.00426; ESP Exome Variant Server 0.00522.
gnomAD v4.1: 8,267 of 1,612,274 alleles (0.51%); highest among the groups gnomAD compares: Non-Finnish European, 0.62%; 24 homozygotes.

Submissions (15):

CeGaT Center for Human Genetics Tuebingen
Classification: Likely benign. Last evaluated: 2026-09-01. Review status: criteria provided, single submitter. Criteria: CeGaT Center For Human Genetics Tuebingen Variant Classification Criteria Version 2. Collection method: clinical testing. Allele origin: germline. Affected: yes. Observed: 50 variant alleles.
Comment: RECQL4: BP4, BS1

Labcorp Genetics (formerly Invitae), Labcorp
Classification: Benign for Baller-Gerold syndrome. Last evaluated: 2026-02-03. Review status: criteria provided, single submitter. Criteria: Invitae Variant Classification Sherloc (09022015). Collection method: clinical testing. Allele origin: germline.

Blueprint Genetics
Classification: Likely benign. Last evaluated: 2024-11-27. Review status: criteria provided, single submitter. Criteria: ACMG Guidelines, 2015. Collection method: clinical testing. Allele origin: germline.

Institute for Clinical Genetics, University Hospital TU Dresden, University Hospital TU Dresden
Classification: Uncertain significance. Last evaluated: 2021-11-03. Review status: criteria provided, single submitter. Criteria: ACMG Guidelines, 2015. Collection method: clinical testing. Allele origin: germline.

Sema4
Classification: Likely benign for Hereditary cancer-predisposing syndrome. Last evaluated: 2021-05-25. Review status: criteria provided, single submitter. Criteria: Sema4 Curation Guidelines. Collection method: curation. Allele origin: germline.

Ambry Genetics
Classification: Likely benign for Inborn genetic diseases. Last evaluated: 2021-05-17. Review status: criteria provided, single submitter. Criteria: Ambry Variant Classification Scheme 2023. Collection method: clinical testing. Allele origin: germline.

GeneDx
Classification: Benign. Last evaluated: 2020-01-06. Review status: criteria provided, single submitter. Criteria: GeneDx Variant Classification Process June 2021. Collection method: clinical testing. Allele origin: germline. Affected: yes.
Comment: This variant is associated with the following publications: (PMID: 15897384, 30007837, 12734318, 24728327)

Division Of Personalized Genomic Medicine, Columbia University Irving Medical Center
Classification: Uncertain significance for Rothmund-Thomson syndrome type 2. Last evaluated: 2019-10-16. Review status: criteria provided, single submitter. Criteria: ACMG Guidelines, 2015. Collection method: clinical testing. Allele origin: paternal. Inheritance: Autosomal recessive inheritance. Observed: 1 compound heterozygote.
Comment: This variant is present in the Genome Aggregation Database (gnomAD) with a general frequency of 0.004 (1125/278178, 1 HOMO), indicating it is not a rare variant in the populations represented in this database. This variant is predicted to be tolerated by multiple in silico tools. In Clinvar, this variant has been reported several times with conflicting level of evidence [Benign/Likely Benign/ Variant of Uncertain Significance]. In literature, this R1021Q variant has been observed in a single heterozygous state or with another truncation variant in individual with features of Rothmund-Thomson Syndrome, however this variant has not been established as disease-causing [PMID:12734318;PMID:30007837]. Based on these evidences, the c.3062C>G p.Arg1021Gln variant is classified as Variant of Uncertain Significance (VUS).

Eurofins Ntd Llc (ga)
Classification: Likely benign. Last evaluated: 2016-06-30. Review status: criteria provided, single submitter. Criteria: EGL Classification Definitions 2015. Collection method: clinical testing. Allele origin: germline. Observed: 2 variant alleles, 2 heterozygotes.

Genetic Services Laboratory, University of Chicago
Classification: Uncertain significance. Last evaluated: 2015-07-27. Review status: criteria provided, single submitter. Criteria: ACMG Guidelines, 2015. Collection method: clinical testing. Allele origin: germline.

ITMI
No classification provided. Condition: AllHighlyPenetrant. Last evaluated: 2013-09-19. Review status: no classification provided. Collection method: reference population. Allele origin: germline. Not counted in ClinVar's aggregate classification.
Comment: Please see associated publication for description of ethnicities

Clinical Genetics DNA and cytogenetics Diagnostics Lab, Erasmus MC, Erasmus Medical Center
Classification: Likely benign. Review status: no assertion criteria provided. Collection method: clinical testing. Allele origin: germline. Affected: yes. Study: VKGL Data-share Consensus. Not counted in ClinVar's aggregate classification.

Genome Diagnostics Laboratory, Amsterdam University Medical Center
Classification: Likely benign. Review status: no assertion criteria provided. Collection method: clinical testing. Allele origin: germline. Affected: yes. Study: VKGL Data-share Consensus. Not counted in ClinVar's aggregate classification.

Genome Diagnostics Laboratory, University Medical Center Utrecht
Classification: Likely benign. Review status: no assertion criteria provided. Collection method: clinical testing. Allele origin: germline. Affected: yes. Study: VKGL Data-share Consensus. Not counted in ClinVar's aggregate classification.

Laboratory of Diagnostic Genome Analysis, Leiden University Medical Center (LUMC)
Classification: Likely benign. Review status: no assertion criteria provided. Collection method: clinical testing. Allele origin: germline. Affected: yes. Study: VKGL Data-share Consensus. Not counted in ClinVar's aggregate classification.

Literature cited by the submitters: PubMed 12734318 (cited by Division Of Personalized Genomic Medicine, Columbia University Irving Medical Center); PubMed 30007837 (cited by Division Of Personalized Genomic Medicine, Columbia University Irving Medical Center); PubMed 24728327 (cited by ITMI).